The following is an entry in ClinVar:

ClinVar aggregate classification (germline): Pathogenic (1 of 4 stars; one submission).

Conditions:
Hereditary cancer-predisposing syndrome. Also called: Hereditary Cancer Syndrome; Tumor predisposition; Hereditary neoplastic syndrome; Neoplastic Syndromes, Hereditary. Identifiers: Orphanet 140162, MedGen C0027672, MeSH D009386, MONDO:0015356.

Submission:

Ambry Genetics
Classification: Pathogenic for Hereditary cancer-predisposing syndrome. Last evaluated: 2024-07-09. Review status: criteria provided, single submitter. Criteria: Ambry Variant Classification Scheme 2023. Collection method: clinical testing. Allele origin: germline.
Comment: The c.1508delT pathogenic mutation, located in coding exon 10 of the MSH3 gene, results from a deletion of one nucleotide at nucleotide position 1508, causing a translational frameshift with a predicted alternate stop codon (p.L503Wfs*5). This variant is considered to be rare based on population cohorts in the Genome Aggregation Database (gnomAD). This alteration is expected to result in loss of function by premature protein truncation or nonsense-mediated mRNA decay. As such, this alteration is interpreted as a disease-causing mutation.

NM_002439.5(MSH3):c.1508del (p.Leu503fs)

Gene: MSH3 (mutS homolog 3; plus strand). Cytogenetic location: 5q14.1.
Variant type: Deletion.
Coding change: c.1508del on transcript NM_002439.5 (MANE Select); coding-DNA position 1508, one base deleted (T; older notation c.1508delT).
Protein change: p.Leu503fs; shifts the reading frame from leucine 503.
Molecular consequence: frameshift variant.
Genome position (GRCh38, 1-based): chr5:80,728,905, T deleted; the last of 3 consecutive T bases (chr5:80,728,903-80,728,905); deleting any one gives the same sequence. VCF-style (leftmost placement, unchanged base first): chr5-80728902-CT-C. GRCh37 (hg19) VCF-style: chr5-80024721-CT-C.
Other names: short protein forms L503fs.
Identifiers: ClinVar variation 3398682 (VCV003398682.1).